The following is an entry in ClinVar:

NM_003737.4(DCHS1):c.4915G>A (p.Val1639Ile)

Gene: DCHS1 (dachsous cadherin-related 1; minus strand). Cytogenetic location: 11p15.4.
Variant type: single nucleotide variant.
Coding change: c.4915G>A on transcript NM_003737.4 (MANE Select); coding-DNA position 4915, G replaced by A.
Protein change: p.Val1639Ile; replaces valine 1639 with isoleucine.
Molecular consequence: missense variant.
Genome position (GRCh38, 1-based): chr11:6,629,792, C>T on the plus strand (G>A on the coding strand, the complement: DCHS1 is on the minus strand). VCF-style: chr11-6629792-C-T. GRCh37 (hg19) VCF-style: chr11-6651023-C-T.
Other names: short protein forms V1639I.
Identifiers: ClinVar variation 2097624 (VCV002097624.4), dbSNP rs1413299430, ClinGen allele CA379398527.

ClinVar aggregate classification (germline): Uncertain significance (1 of 4 stars; one submission).

Allele frequency attached by ClinVar (database versions not stated): gnomAD exomes below 0.00001.
gnomAD v4.1: 2 of 1,613,572 alleles (0.00012%); highest among the groups gnomAD compares: South Asian, 0.0011%; no homozygotes.

Submission:

Labcorp Genetics (formerly Invitae), Labcorp
Classification: Uncertain significance. Last evaluated: 2022-02-14. Review status: criteria provided, single submitter. Criteria: Invitae Variant Classification Sherloc (09022015). Collection method: clinical testing. Allele origin: germline.
Comment: This sequence change replaces valine, which is neutral and non-polar, with isoleucine, which is neutral and non-polar, at codon 1639 of the DCHS1 protein (p.Val1639Ile). In summary, the available evidence is currently insufficient to determine the role of this variant in disease. Therefore, it has been classified as a Variant of Uncertain Significance. Advanced modeling of protein sequence and biophysical properties (such as structural, functional, and spatial information, amino acid conservation, physicochemical variation, residue mobility, and thermodynamic stability) performed at Invitae indicates that this missense variant is not expected to disrupt DCHS1 protein function. This variant has not been reported in the literature in individuals affected with DCHS1-related conditions. This variant is present in population databases (no rsID available, gnomAD 0.003%).